The following is an entry in ClinVar:

ClinVar aggregate classification (germline): Uncertain significance (1 of 4 stars; one submission).

gnomAD v4.1: 2 of 1,194,706 alleles (0.00017%); highest among the groups gnomAD compares: Non-Finnish European, 0.00023%; no homozygotes.

Submission:

CeGaT Center for Human Genetics Tuebingen
Classification: Uncertain significance. Last evaluated: 2025-06-01. Review status: criteria provided, single submitter. Criteria: CeGaT Center For Human Genetics Tuebingen Variant Classification Criteria Version 2. Collection method: clinical testing. Allele origin: germline. Affected: yes. Observed: 1 variant allele.
Comment: ALG13: PM2:Supporting, BP4

NM_001099922.3(ALG13):c.113T>C (p.Ile38Thr)

Gene: ALG13 (ALG13 UDP-N-acetylglucosaminyltransferase subunit; plus strand). Cytogenetic location: Xq23.
Variant type: single nucleotide variant.
Coding change: c.113T>C on transcript NM_001099922.3 (MANE Select); coding-DNA position 113, T replaced by C.
Protein change: p.Ile38Thr; replaces isoleucine 38 with threonine.
Molecular consequence: missense variant. On other transcripts: 5 prime UTR variant (6), non-coding transcript variant (1), intron variant (5).
Genome position (GRCh38, 1-based): chrX:111,682,163, T>C. VCF-style: chrX-111682163-T-C. GRCh37 (hg19) VCF-style: chrX-110925391-T-C.
Other names: c.-63T>C (NM_001257231.2, NM_001257241.3); c.-200T>C (NM_001257237.2, NM_001257239.3, NM_001257240.3 and 1 more transcripts); c.113T>C, p.Ile38Thr (NM_001324290.2, NM_001324292.2, NM_018466.6 and 2 more transcripts); c.-127-73T>C (NM_001257234.2, NM_001257230.2, NM_001257235.3 and 2 more transcripts); short protein forms I38T.
Identifiers: ClinVar variation 4084644 (VCV004084644.8).